The following is an entry in ClinVar:

NM_000195.5(HPS1):c.769-191C>T

Gene: HPS1 (HPS1 biogenesis of lysosomal organelles complex 3 subunit 1; minus strand). Cytogenetic location: 10q24.2.
Variant type: single nucleotide variant.
Coding change: c.769-191C>T on transcript NM_000195.5 (MANE Select); 191 bases into the intron before coding-DNA position 769, C replaced by T.
Molecular consequence: intron variant.
Genome position (GRCh38, 1-based): chr10:98,430,080, G>A on the plus strand (C>T on the coding strand, the complement: HPS1 is on the minus strand). VCF-style: chr10-98430080-G-A. GRCh37 (hg19) VCF-style: chr10-100189837-G-A.
Other names: c.400-191C>T (NM_001322483.2, NM_001322484.2); c.508-191C>T (NM_001322480.2, NM_001322481.2); c.769-438C>T (NM_001322478.2, NM_001322479.2, NM_001322491.2); c.769-191C>T (NM_001322476.2, NM_001322477.2, NM_182639.4); c.400-438C>T (NM_001322485.2); c.508-438C>T (NM_001322482.2); c.-105-438C>T (NM_001322489.2, NM_001311345.2); c.-204-191C>T (NM_001322487.2); and 2 more.
Identifiers: ClinVar variation 1706725 (VCV001706725.2), dbSNP rs116667598, ClinGen allele CA212766732.

ClinVar aggregate classification (germline): Likely benign (1 of 4 stars; one submission).

Allele frequency attached by ClinVar (database versions not stated): gnomAD 0.00587; TOPMed 0.00679; 1000 Genomes Project 0.00839; 1000 Genomes Project 30x 0.00906.
gnomAD v4.1: 885 of 152,322 alleles (0.58%); highest among the groups gnomAD compares: African/African-American, 2%; 11 homozygotes.

Submission:

GeneDx
Classification: Likely benign. Last evaluated: 2021-01-23. Review status: criteria provided, single submitter. Criteria: GeneDx Variant Classification Process June 2021. Collection method: clinical testing. Allele origin: germline. Affected: yes.
Comment: See Variant Classification Assertion Criteria.